The following is an entry in ClinVar:

ClinVar aggregate classification (germline): Benign/Likely benign. Review status: criteria provided, multiple submitters, no conflicts (2 of 4 stars). 3 submissions from 3 submitters: Benign (1); Likely benign (2). Last evaluated 2025-08-01.

Conditions:
Hereditary cancer-predisposing syndrome. Also called: Hereditary Cancer Syndrome; Neoplastic Syndromes, Hereditary; Tumor predisposition; Hereditary neoplastic syndrome. Identifiers: Orphanet 140162, MedGen C0027672, MeSH D009386, MONDO:0015356.
Familial adenomatous polyposis 1 (FAP1). Also called: POLYPOSIS, ADENOMATOUS INTESTINAL; FAMILIAL ADENOMATOUS POLYPOSIS 1, ATTENUATED. Identifiers: MedGen C2713442, MONDO:0021056, OMIM 175100. Disease mechanism: loss of function.

Submissions (3):

CeGaT Center for Human Genetics Tuebingen
Classification: Likely benign. Last evaluated: 2025-08-01. Review status: criteria provided, single submitter. Criteria: CeGaT Center For Human Genetics Tuebingen Variant Classification Criteria Version 2. Collection method: clinical testing. Allele origin: germline. Affected: yes. Observed: 1 variant allele.
Comment: APC: PM2:Supporting, BP4, BP7

Myriad Genetics, Inc.
Classification: Benign for Familial adenomatous polyposis 1. Last evaluated: 2024-04-04. Review status: criteria provided, single submitter. Criteria: Myriad Autosomal Dominant, Autosomal Recessive and X-Linked Classification Criteria (2023). Collection method: clinical testing. Allele origin: unknown.
Comment: This variant is considered benign. This variant is a silent/synonymous amino acid change and it is not expected to impact splicing.

Ambry Genetics
Classification: Likely benign for Hereditary cancer-predisposing syndrome. Last evaluated: 2019-01-16. Review status: criteria provided, single submitter. Criteria: Ambry Variant Classification Scheme 2023. Collection method: clinical testing. Allele origin: germline.

NM_000038.6(APC):c.6363T>C (p.Ala2121=)

Gene: APC (APC regulator of Wnt signaling pathway; plus strand). Cytogenetic location: 5q22.2.
Variant type: single nucleotide variant.
Coding change: c.6363T>C on transcript NM_000038.6 (MANE Select); coding-DNA position 6363, T replaced by C.
Protein change: p.Ala2121=; no amino-acid change (alanine 2121 retained).
Molecular consequence: synonymous variant.
Genome position (GRCh38, 1-based): chr5:112,841,957, T>C. VCF-style: chr5-112841957-T-C. GRCh37 (hg19) VCF-style: chr5-112177654-T-C.
Other names: c.6363T>C, p.Ala2121= (NM_001127510.3, NM_001354895.2); c.6309T>C, p.Ala2103= (NM_001127511.3); c.6417T>C, p.Ala2139= (NM_001354896.2); c.6393T>C, p.Ala2131= (NM_001354897.2); c.6288T>C, p.Ala2096= (NM_001354898.2); c.6279T>C, p.Ala2093= (NM_001354899.2); c.6240T>C, p.Ala2080= (NM_001354900.2); c.6186T>C, p.Ala2062= (NM_001354901.2); and 5 more.
Identifiers: ClinVar variation 826351 (VCV000826351.13), dbSNP rs1580670024, ClinGen allele CA446210368.